The following is an entry in ClinVar:

ClinVar aggregate classification (germline): Conflicting classifications of pathogenicity. Review status: criteria provided, conflicting classifications (1 of 4 stars). 3 submissions from 3 submitters: Uncertain significance (2); Likely benign (1). Last evaluated 2022-12-01.

Conditions:
Cardiovascular phenotype. Identifiers: MedGen CN230736.

Allele frequency attached by ClinVar (database versions not stated): ExAC 0.00005; gnomAD 0.00005.
gnomAD v4.1: 60 of 1,550,388 alleles (0.0039%); highest among the groups gnomAD compares: South Asian, 0.019%; no homozygotes.

Submissions (3):

CeGaT Center for Human Genetics Tuebingen
Classification: Likely benign. Last evaluated: 2022-12-01. Review status: criteria provided, single submitter. Criteria: CeGaT Center For Human Genetics Tuebingen Variant Classification Criteria Version 2. Collection method: clinical testing. Allele origin: germline. Affected: yes. Observed: 1 variant allele.
Comment: ZNF469: BP4

Labcorp Genetics (formerly Invitae), Labcorp
Classification: Uncertain significance. Last evaluated: 2022-03-20. Review status: criteria provided, single submitter. Criteria: Invitae Variant Classification Sherloc (09022015). Collection method: clinical testing. Allele origin: germline.
Comment: This sequence change replaces threonine, which is neutral and polar, with methionine, which is neutral and non-polar, at codon 1984 of the ZNF469 protein (p.Thr1984Met). This variant is present in population databases (rs777417920, gnomAD 0.02%). This variant has not been reported in the literature in individuals affected with ZNF469-related conditions. Algorithms developed to predict the effect of missense changes on protein structure and function output the following: SIFT: "Tolerated"; PolyPhen-2: "Benign"; Align-GVGD: "Class C0". The methionine amino acid residue is found in multiple mammalian species, which suggests that this missense change does not adversely affect protein function. In summary, the available evidence is currently insufficient to determine the role of this variant in disease. Therefore, it has been classified as a Variant of Uncertain Significance.

Ambry Genetics
Classification: Uncertain significance for Cardiovascular phenotype. Last evaluated: 2020-05-29. Review status: criteria provided, single submitter. Criteria: Ambry Variant Classification Scheme 2023. Collection method: clinical testing. Allele origin: germline.
Comment: The p.T1984M variant (also known as c.5951C>T), located in coding exon 2 of the ZNF469 gene, results from a C to T substitution at nucleotide position 5951. The threonine at codon 1984 is replaced by methionine, an amino acid with similar properties. This amino acid position is poorly conserved in available vertebrate species. In addition, this alteration is predicted to be tolerated by in silico analysis. Since supporting evidence is limited at this time, the clinical significance of this alteration remains unclear.

NM_001367624.2(ZNF469):c.6035C>T (p.Thr2012Met)

Gene: ZNF469 (zinc finger protein 469; plus strand). Cytogenetic location: 16q24.2.
Variant type: single nucleotide variant.
Coding change: c.6035C>T on transcript NM_001367624.2 (MANE Select); coding-DNA position 6035, C replaced by T.
Protein change: p.Thr2012Met; replaces threonine 2012 with methionine.
Molecular consequence: missense variant.
Genome position (GRCh38, 1-based): chr16:88,433,505, C>T. VCF-style: chr16-88433505-C-T. GRCh37 (hg19) VCF-style: chr16-88499913-C-T.
Other names: NM_001127464.1:c.5951C>T; short protein forms T2012M.
Identifiers: ClinVar variation 1750691 (VCV001750691.29), dbSNP rs777417920, ClinGen allele CA8225121.